The following is an entry in ClinVar:

ClinVar aggregate classification (germline): Uncertain significance (1 of 4 stars; one submission).

Submission:

Labcorp Genetics (formerly Invitae), Labcorp
Classification: Uncertain significance. Last evaluated: 2022-06-13. Review status: criteria provided, single submitter. Criteria: Invitae Variant Classification Sherloc (09022015). Collection method: clinical testing. Allele origin: germline.
Comment: This variant is not present in population databases (gnomAD no frequency). This sequence change replaces glutamic acid, which is acidic and polar, with aspartic acid, which is acidic and polar, at codon 12 of the GNB3 protein (p.Glu12Asp). This variant has not been reported in the literature in individuals affected with GNB3-related conditions. In summary, the available evidence is currently insufficient to determine the role of this variant in disease. Therefore, it has been classified as a Variant of Uncertain Significance. Algorithms developed to predict the effect of missense changes on protein structure and function (SIFT, PolyPhen-2, Align-GVGD) all suggest that this variant is likely to be tolerated.

NM_002075.4(GNB3):c.36G>C (p.Glu12Asp)

Gene: GNB3 (G protein subunit beta 3; plus strand). Cytogenetic location: 12p13.31.
Variant type: single nucleotide variant.
Coding change: c.36G>C on transcript NM_002075.4 (MANE Select); coding-DNA position 36, G replaced by C.
Protein change: p.Glu12Asp; replaces glutamic acid 12 with aspartic acid.
Molecular consequence: missense variant.
Genome position (GRCh38, 1-based): chr12:6,841,323, G>C. VCF-style: chr12-6841323-G-C. GRCh37 (hg19) VCF-style: chr12-6950487-G-C.
Other names: c.36G>C, p.Glu12Asp (NM_001297571.2); short protein forms E12D.
Identifiers: ClinVar variation 2004458 (VCV002004458.4), dbSNP rs2542343119, ClinGen allele CA383671355.